The following is an entry in ClinVar:

NM_001318895.3(FHL2):c.512C>T (p.Thr171Met)

Genes: C2orf49 (chromosome 2 open reading frame 49; plus strand), FHL2 (four and a half LIM domains 2; minus strand). Cytogenetic location: 2q12.2.
Variant type: single nucleotide variant.
Coding change: c.512C>T on transcript NM_001318895.3 (MANE Select); coding-DNA position 512, C replaced by T.
Protein change: p.Thr171Met; replaces threonine 171 with methionine.
Molecular consequence: missense variant.
Genome position (GRCh38, 1-based): chr2:105,363,461, G>A on the plus strand (C>T on the coding strand, the complement: FHL2 is on the minus strand). VCF-style: chr2-105363461-G-A. GRCh37 (hg19) VCF-style: chr2-105979918-G-A.
Other names: c.512C>T, p.Thr171Met (NM_001039492.3, NM_001318894.1, NM_001318896.2 and 4 more transcripts); c.170C>T, p.Thr57Met (NM_001318897.2, NM_001318898.2); c.188C>T, p.Thr63Met (NM_001318899.2); short protein forms T171M, T63M, T57M.
Identifiers: ClinVar variation 179156 (VCV000179156.8), dbSNP rs727504674, ClinGen allele CA183831.

ClinVar aggregate classification (germline): Uncertain significance. Review status: criteria provided, multiple submitters, no conflicts (2 of 4 stars). 2 submissions from 2 submitters: Uncertain significance (2). Last evaluated 2026-01-04.

Conditions:
Primary dilated cardiomyopathy (DCM). Also called: Dilated Cardiomyopathy. Identifiers: Orphanet 217604, MedGen C0007193, MeSH D002311, MONDO:0005021, HP:0001644. Inheritance: Various modes of inheritance.

Allele frequency attached by ClinVar (database versions not stated): gnomAD 0.00012 and 0.00013; ExAC 0.00006; TOPMed 0.00006; gnomAD exomes 0.00006.
gnomAD v4.1: 238 of 1,608,320 alleles (0.015%); highest among the groups gnomAD compares: Non-Finnish European, 0.019%; no homozygotes.

Submissions (2):

Labcorp Genetics (formerly Invitae), Labcorp
Classification: Uncertain significance for Primary dilated cardiomyopathy. Last evaluated: 2026-01-04. Review status: criteria provided, single submitter. Criteria: Invitae Variant Classification Sherloc (09022015). Collection method: clinical testing. Allele origin: germline.
Comment: This sequence change replaces threonine, which is neutral and polar, with methionine, which is neutral and non-polar, at codon 171 of the FHL2 protein (p.Thr171Met). This variant is present in population databases (rs727504674, gnomAD 0.02%). This missense change has been observed in individual(s) with hypertrophic cardiomyopathy (PMID: 25358972). ClinVar contains an entry for this variant (Variation ID: 179156). Invitae Evidence Modeling of protein sequence and biophysical properties (such as structural, functional, and spatial information, amino acid conservation, physicochemical variation, residue mobility, and thermodynamic stability) indicates that this missense variant is not expected to disrupt FHL2 protein function with a negative predictive value of 80%. Experimental studies have shown that this missense change affects FHL2 function (PMID: 25358972). In summary, the available evidence is currently insufficient to determine the role of this variant in disease. Therefore, it has been classified as a Variant of Uncertain Significance.

Laboratory for Molecular Medicine, Mass General Brigham Personalized Medicine
Classification: Uncertain significance. Last evaluated: 2013-08-02. Review status: criteria provided, single submitter. Criteria: LMM Criteria. Collection method: clinical testing. Allele origin: germline. Observed: 1 variant allele.
Comment: The Thr171Met variant in FHL2 has not been reported in individuals with cardiomy opathy. Data from large population studies is insufficient to assess the frequen cy of this variant. Threonine (Thr) is not well conserved in evolution and 1 mam malian species carries the variant amino acid (Met), raising the possibility tha t this change may be tolerated. Additional computational analyses (biochemical a mino acid properties, AlignGVGD, PolyPhen2, and SIFT) suggest that this variant may impact the protein, though this information is not predictive enough to dete rmine pathogenicity. Additional information is needed to fully assess the clinic al significance of this variant.

Literature cited by the submitters: PubMed 25358972 (cited by Labcorp Genetics (formerly Invitae), Labcorp and Laboratory for Molecular Medicine, Mass General Brigham Personalized Medicine).